The following is an entry in ClinVar:

ClinVar aggregate classification (germline): Uncertain significance. Review status: criteria provided, multiple submitters, no conflicts (2 of 4 stars). 4 submissions from 4 submitters: Uncertain significance (4). Last evaluated 2026-08-05.

Conditions:
LRP2-related disorder. Also called: LRP2-related condition.
Donnai-Barrow syndrome. Also called: DBS/FOAR SYNDROME; FACIOOCULOACOUSTICORENAL SYNDROME. Identifiers: Orphanet 2143, MedGen C1857277, MONDO:0009104, OMIM 222448.

Allele frequency attached by ClinVar (database versions not stated): ExAC 0.00001; gnomAD exomes 0.00001; TOPMed 0.00004; gnomAD 0.00006 and 0.00007.

Submissions (4):

PreventionGenetics, part of Exact Sciences
Classification: Uncertain significance for LRP2-related condition. Last evaluated: 2026-08-05. Review status: criteria provided, single submitter. Criteria: ACMG Guidelines, 2015. Collection method: clinical testing. Allele origin: germline.
Comment: The LRP2 c.11014+2dupT variant is predicted to result in an intronic duplication. This variant is predicted to alter splicing based on available splicing prediction programs (SpliceAI, Jaganathan et al. 2019. PubMed ID: 30661751). However, the use of computer prediction programs is not equivalent to functional evidence. To our knowledge, this variant has not been reported in the literature. This variant is reported in 0.024% of alleles in individuals of African descent in gnomAD. Although we suspect that this variant may be pathogenic, at this time, the clinical significance of this variant is uncertain due to the absence of conclusive functional and genetic evidence.

Myriad Genetics, Inc.
Classification: Uncertain significance for Donnai-Barrow syndrome. Last evaluated: 2026-06-12. Review status: criteria provided, single submitter. Criteria: Myriad Autosomal Dominant, Autosomal Recessive and X-Linked Classification Criteria (2023). Collection method: clinical testing. Allele origin: unknown.
Comment: NM_004525.2(LRP2):c.11014+2dupT is a variant in a canonical splice site classified as a variant of uncertain significance in the context of Donnai-Barrow syndrome. c.11014+2dupT has not been observed in cases with relevant disease. Relevant functional assessments of this variant are not available in the literature. c.11014+2dupT has been observed in referenced population frequency databases. In summary, there is insufficient evidence to classify NM_004525.2(LRP2):c.11014+2dupT as pathogenic or benign. Please note: this variant was assessed in the context of healthy population screening.

Labcorp Genetics (formerly Invitae), Labcorp
Classification: Uncertain significance. Last evaluated: 2024-11-18. Review status: criteria provided, single submitter. Criteria: Invitae Variant Classification Sherloc (09022015). Collection method: clinical testing. Allele origin: germline.
Comment: This sequence change falls in intron 56 of the LRP2 gene. It does not directly change the encoded amino acid sequence of the LRP2 protein. It affects a nucleotide within the consensus splice site. This variant is present in population databases (rs759111237, gnomAD 0.02%). This variant has not been reported in the literature in individuals affected with LRP2-related conditions. ClinVar contains an entry for this variant (Variation ID: 1489004). Variants that disrupt the consensus splice site are a relatively common cause of aberrant splicing (PMID: 17576681, 9536098). Algorithms developed to predict the effect of sequence changes on RNA splicing suggest that this variant may disrupt the consensus splice site. In summary, the available evidence is currently insufficient to determine the role of this variant in disease. Therefore, it has been classified as a Variant of Uncertain Significance.

Blueprint Genetics
Classification: Uncertain significance. Last evaluated: 2020-04-20. Review status: criteria provided, single submitter. Criteria: ACMG Guidelines, 2015. Collection method: clinical testing. Allele origin: germline.

Literature cited by the submitters: PubMed 17576681 (cited by Labcorp Genetics (formerly Invitae), Labcorp); PubMed 9536098 (cited by Labcorp Genetics (formerly Invitae), Labcorp).

NM_004525.3(LRP2):c.11014+2dup

Gene: LRP2 (LDL receptor related protein 2; minus strand). Cytogenetic location: 2q31.1.
Variant type: Duplication.
Coding change: c.11014+2dup on transcript NM_004525.3 (MANE Select); the canonical splice donor site of the intron after coding-DNA position 11014, one base duplicated (T; older notation c.11014+2dupT).
Molecular consequence: splice donor variant.
Genome position (GRCh38, 1-based): chr2:169,173,917, A duplicated on the plus strand (T on the coding strand, the reverse complement: LRP2 is on the minus strand). VCF-style (leftmost placement, unchanged base first): chr2-169173916-T-TA. GRCh37 (hg19) VCF-style: chr2-170030426-T-TA.
Other names: c.11014+2dupT (NM_004525.2).
Identifiers: ClinVar variation 1489004 (VCV001489004.6), dbSNP rs759111237, ClinGen allele CA1953198.
Genomic context (GRCh38, chr2:169,173,916, plus strand): 5'-CCATGGAAGTTTCCTCGTGTCTCCCTGCTCTGGTCATGCCTTGGTCCTCCCACAGGAACT[T>TA]ACTGCATTCTTCAATGGGCTCATCCGAGTGGTCTCCACAATCATTATCCACATCACACTT-3'